The following is an entry in ClinVar:

ClinVar aggregate classification (germline): Uncertain significance (1 of 4 stars; one submission).

gnomAD v4.1: 87 of 1,613,196 alleles (0.0054%); highest among the groups gnomAD compares: East Asian, 0.016%; no homozygotes.

Submission:

CeGaT Center for Human Genetics Tuebingen
Classification: Uncertain significance. Last evaluated: 2024-07-01. Review status: criteria provided, single submitter. Criteria: CeGaT Center For Human Genetics Tuebingen Variant Classification Criteria Version 2. Collection method: clinical testing. Allele origin: germline. Affected: yes. Observed: 1 variant allele.
Comment: PTPRF: PM2, PP3

NM_002840.5(PTPRF):c.4204G>A (p.Gly1402Arg)

Gene: PTPRF (protein tyrosine phosphatase receptor type F; plus strand). Cytogenetic location: 1p34.2.
Variant type: single nucleotide variant.
Coding change: c.4204G>A on transcript NM_002840.5 (MANE Select); coding-DNA position 4204, G replaced by A.
Protein change: p.Gly1402Arg; replaces glycine 1402 with arginine.
Molecular consequence: missense variant.
Genome position (GRCh38, 1-based): chr1:43,617,744, G>A. VCF-style: chr1-43617744-G-A. GRCh37 (hg19) VCF-style: chr1-44083415-G-A.
Other names: c.3370G>A, p.Gly1124Arg (NM_001329137.2); c.3394G>A, p.Gly1132Arg (NM_001329138.2); c.3352G>A, p.Gly1118Arg (NM_001329139.2); c.3292G>A, p.Gly1098Arg (NM_001329140.2); c.4177G>A, p.Gly1393Arg (NM_130440.4); short protein forms G1098R, G1118R, G1124R, G1132R, G1393R, G1402R.
Identifiers: ClinVar variation 3257010 (VCV003257010.17).